The following is an entry in ClinVar:

NM_018136.5(ASPM):c.2425C>T (p.Arg809Cys)

Gene: ASPM (assembly factor for spindle microtubules; minus strand). Cytogenetic location: 1q31.3.
Variant type: single nucleotide variant.
Coding change: c.2425C>T on transcript NM_018136.5 (MANE Select); coding-DNA position 2425, C replaced by T.
Protein change: p.Arg809Cys; replaces arginine 809 with cysteine.
Molecular consequence: missense variant.
Genome position (GRCh38, 1-based): chr1:197,132,347, G>A on the plus strand (C>T on the coding strand, the complement: ASPM is on the minus strand). VCF-style: chr1-197132347-G-A. GRCh37 (hg19) VCF-style: chr1-197101477-G-A.
Other names: c.2425C>T, p.Arg809Cys (NM_001206846.2); c.2425C>T (NM_018136.4); short protein forms R809C.
Identifiers: ClinVar variation 2890821 (VCV002890821.2), dbSNP rs751289232, ClinGen allele CA1310456.
Genomic context (GRCh38, chr1:197,132,347, plus strand): 5'-CTAGACCAATTCGAAGCCACAAAGGATTGTAGGACAACAGCCAATTCAGGACTTTCTGAC[G>A]TTCTCCTGAAATGCATGTCAAAGGCAAATAAGTTCAAATTGATAATCAAATAGAGACAAG-3'
Protein context (NP_060606.3, residues 799-819): DRHLWKDVGE[Arg809Cys]QKVLNWLLSY

ClinVar aggregate classification (germline): Uncertain significance. Review status: criteria provided, multiple submitters, no conflicts (2 of 4 stars). 2 submissions from 2 submitters: Uncertain significance (2). Last evaluated 2025-02-27.

Conditions:
Inborn genetic diseases. Identifiers: MedGen C0950123, MeSH D030342.

Allele frequency attached by ClinVar (database versions not stated): gnomAD exomes 0.00002; ExAC 0.00003; gnomAD 0.00003; TOPMed 0.00006.
gnomAD v4.1: 30 of 1,612,860 alleles (0.0019%); highest among the groups gnomAD compares: Admixed American, 0.02%; no homozygotes.

Submissions (2):

Ambry Genetics
Classification: Uncertain significance for Inborn genetic diseases. Last evaluated: 2025-02-27. Review status: criteria provided, single submitter. Criteria: Ambry Variant Classification Scheme 2023. Collection method: clinical testing. Allele origin: germline.

Labcorp Genetics (formerly Invitae), Labcorp
Classification: Uncertain significance. Last evaluated: 2024-01-15. Review status: criteria provided, single submitter. Criteria: Invitae Variant Classification Sherloc (09022015). Collection method: clinical testing. Allele origin: germline.
Comment: This sequence change replaces arginine, which is basic and polar, with cysteine, which is neutral and slightly polar, at codon 809 of the ASPM protein (p.Arg809Cys). This variant is present in population databases (rs751289232, gnomAD 0.02%). This variant has not been reported in the literature in individuals affected with ASPM-related conditions. Advanced modeling of protein sequence and biophysical properties (such as structural, functional, and spatial information, amino acid conservation, physicochemical variation, residue mobility, and thermodynamic stability) has been performed at Invitae for this missense variant, however the output from this modeling did not meet the statistical confidence thresholds required to predict the impact of this variant on ASPM protein function. In summary, the available evidence is currently insufficient to determine the role of this variant in disease. Therefore, it has been classified as a Variant of Uncertain Significance.